The following is an entry in ClinVar:

NM_001042432.2(CLN3):c.586G>T (p.Ala196Ser)

Gene: CLN3 (CLN3 lysosomal/endosomal transmembrane protein, battenin; minus strand). Cytogenetic location: 16p12.1.
Variant type: single nucleotide variant.
Coding change: c.586G>T on transcript NM_001042432.2 (MANE Select); coding-DNA position 586, G replaced by T.
Protein change: p.Ala196Ser; replaces alanine 196 with serine.
Molecular consequence: missense variant.
Genome position (GRCh38, 1-based): chr16:28,486,438, C>A on the plus strand (G>T on the coding strand, the complement: CLN3 is on the minus strand). VCF-style: chr16-28486438-C-A. GRCh37 (hg19) VCF-style: chr16-28497759-C-A.
Other names: p.A196S:GCC>TCC; c.586G>T, p.Ala196Ser (NM_000086.2); c.514G>T, p.Ala172Ser (NM_001286104.2); c.286G>T, p.Ala96Ser (NM_001286105.2); c.352G>T, p.Ala118Ser (NM_001286109.2); c.424G>T, p.Ala142Ser (NM_001286110.2); short protein forms A196S, A172S, A118S, A142S, A96S.
Identifiers: ClinVar variation 205111 (VCV000205111.2), dbSNP rs796052339, ClinGen allele CA313803.

ClinVar aggregate classification (germline): Uncertain significance (1 of 4 stars; one submission).

Submission:

GeneDx
Classification: Uncertain significance. Last evaluated: 2013-05-29. Review status: criteria provided, single submitter. Criteria: GeneDx Variant Classification (06012015). Collection method: clinical testing. Allele origin: germline. Affected: yes.
Comment: p.Ala196Ser (GCC>TCC): c.586 G>T in exon 9 of the CLN3 gene (NM_001042432.1). The Ala196Ser missense change has not been published as a mutation, nor has it been reported as a benign polymorphism to our knowledge. It was not observed in approximately 6,500 individuals of European and African American ancestry, indicating it is not a common benign variant in these populations. The amino acid substitution is non-conservative, as a non-polar Alanine residue is replaced by a polar Serine residue. However, it alters a poorly conserved position in the protein, and multiple in silico algorithms predict it may be benign. Therefore, based on the currently available information, it is unclear whether Ala196Ser is a disease-causing mutation or a rare benign variant. The variant is found in EPILEPSY panel(s).